The following is an entry in ClinVar:

ClinVar aggregate classification (germline): Uncertain significance (1 of 4 stars; one submission).

Submission:

Labcorp Genetics (formerly Invitae), Labcorp
Classification: Uncertain significance. Last evaluated: 2022-07-10. Review status: criteria provided, single submitter. Criteria: Invitae Variant Classification Sherloc (09022015). Collection method: clinical testing. Allele origin: germline.
Comment: This variant, c.55_57del, results in the deletion of 1 amino acid(s) of the A2ML1 protein (p.Glu19del), but otherwise preserves the integrity of the reading frame. This variant is not present in population databases (gnomAD no frequency). This variant has not been reported in the literature in individuals affected with A2ML1-related conditions. Experimental studies and prediction algorithms are not available or were not evaluated, and the functional significance of this variant is currently unknown. In summary, the available evidence is currently insufficient to determine the role of this variant in disease. Therefore, it has been classified as a Variant of Uncertain Significance.

NM_144670.6(A2ML1):c.52GAA[1] (p.Glu19del)

Genes: A2ML1 (alpha-2-macroglobulin like 1; plus strand), A2ML1-AS1 (A2ML1 antisense RNA 1; minus strand). Cytogenetic location: 12p13.31.
Variant type: Microsatellite.
Coding change: c.52GAA[1] on transcript NM_144670.6 (MANE Select); one copy of the 3-base unit GAA starting at c.52; the reference has two copies in a row; one copy, 3 bases deleted.
Protein change: p.Glu19del; deletes glutamic acid 19.
Molecular consequence: inframe deletion.
Genome position (GRCh38, 1-based): chr12:8,822,706-8,822,708, GAA deleted; deleting any 3 consecutive bases within chr12:8,822,702-8,822,708 gives the same sequence; the position shown is the placement nearest the transcript's 3' end. VCF-style (leftmost placement, unchanged base first): chr12-8822701-CAGA-C. GRCh37 (hg19) VCF-style: chr12-8975297-CAGA-C.
Other names: short protein forms E19del.
Identifiers: ClinVar variation 2042917 (VCV002042917.4), dbSNP rs2539169424, ClinGen allele CA2580615133.